The following is an entry in ClinVar:

NM_001199397.3(NEK1):c.1520T>C (p.Leu507Ser)

Gene: NEK1 (NIMA related kinase 1; minus strand). Cytogenetic location: 4q33.
Variant type: single nucleotide variant.
Coding change: c.1520T>C on transcript NM_001199397.3 (MANE Select); coding-DNA position 1520, T replaced by C.
Protein change: p.Leu507Ser; replaces leucine 507 with serine.
Molecular consequence: missense variant. On other transcripts: non-coding transcript variant (1), intron variant (3).
Genome position (GRCh38, 1-based): chr4:169,555,762, A>G on the plus strand (T>C on the coding strand, the complement: NEK1 is on the minus strand). VCF-style: chr4-169555762-A-G. GRCh37 (hg19) VCF-style: chr4-170476913-A-G.
Other names: c.1520T>C (NM_012224.2); c.1520T>C, p.Leu507Ser (NM_001374418.1, NM_001374419.1, NM_012224.4); c.1469T>C, p.Leu490Ser (NM_001374420.1); c.1394T>C, p.Leu465Ser (NM_001374421.1); c.1355+170T>C (NM_001199399.3); c.1430+170T>C (NM_001199398.3, NM_001199400.3); short protein forms L465S, L490S, L507S.
Identifiers: ClinVar variation 2058077 (VCV002058077.5), dbSNP rs768682276, ClinGen allele CA3137718.

ClinVar aggregate classification (germline): Uncertain significance. Review status: criteria provided, multiple submitters, no conflicts (2 of 4 stars). 2 submissions from 2 submitters: Uncertain significance (2). Last evaluated 2024-02-27.

Conditions:
Inborn genetic diseases. Identifiers: MedGen C0950123, MeSH D030342.
Short-rib thoracic dysplasia 6 with or without polydactyly (SRTD6). Also called: POLYDACTYLY WITH NEONATAL CHONDRODYSTROPHY, TYPE II; SHORT-RIB THORACIC DYSPLASIA 6 WITH POLYDACTYLY; SHORT RIB-POLYDACTYLY SYNDROME, TYPE IIA; Majewski Syndrome; SHORT-RIB THORACIC DYSPLASIA 6 WITHOUT POLYDACTYLY. Identifiers: MedGen C0024507, MONDO:0009894, OMIM 263520.

Allele frequency attached by ClinVar (database versions not stated): gnomAD exomes below 0.00001; ExAC 0.00001; gnomAD 0.00010; TOPMed 0.00011.
gnomAD v4.1: 19 of 1,613,718 alleles (0.0012%); highest among the groups gnomAD compares: African/African-American, 0.024%; no homozygotes.

Submissions (2):

Ambry Genetics
Classification: Uncertain significance for Inborn genetic diseases. Last evaluated: 2024-02-27. Review status: criteria provided, single submitter. Criteria: Ambry Variant Classification Scheme 2023. Collection method: clinical testing. Allele origin: germline.

Labcorp Genetics (formerly Invitae), Labcorp
Classification: Uncertain significance for Short-rib thoracic dysplasia 6 with or without polydactyly. Last evaluated: 2023-08-04. Review status: criteria provided, single submitter. Criteria: Invitae Variant Classification Sherloc (09022015). Collection method: clinical testing. Allele origin: germline.
Comment: This variant is present in population databases (rs768682276, gnomAD 0.01%). This sequence change replaces leucine, which is neutral and non-polar, with serine, which is neutral and polar, at codon 507 of the NEK1 protein (p.Leu507Ser). This variant has not been reported in the literature in individuals affected with NEK1-related conditions. ClinVar contains an entry for this variant (Variation ID: 2058077). Advanced modeling of protein sequence and biophysical properties (such as structural, functional, and spatial information, amino acid conservation, physicochemical variation, residue mobility, and thermodynamic stability) performed at Invitae indicates that this missense variant is not expected to disrupt NEK1 protein function. In summary, the available evidence is currently insufficient to determine the role of this variant in disease. Therefore, it has been classified as a Variant of Uncertain Significance.